The following is an entry in ClinVar:

ClinVar aggregate classification (germline): Uncertain significance (1 of 4 stars; one submission).

Conditions:
Hereditary cancer-predisposing syndrome. Also called: Tumor predisposition; Hereditary Cancer Syndrome; Neoplastic Syndromes, Hereditary; Hereditary neoplastic syndrome. Identifiers: Orphanet 140162, MedGen C0027672, MeSH D009386, MONDO:0015356.

Submission:

Color Diagnostics, LLC DBA Color Health
Classification: Uncertain significance for Hereditary cancer-predisposing syndrome. Last evaluated: 2025-07-09. Review status: criteria provided, single submitter. Criteria: ACMG Guidelines, 2015. Collection method: clinical testing. Allele origin: germline.
Comment: This variant duplicates 77 basepairs in the BRCA2 gene, encompassing the last nucleotide of exon 9 and the first 76 basepairs of intron 9. To our knowledge, functional and RNA studies have not been reported for this variant nor has this variant been reported in individuals affected with BRCA2-related disorders in the literature. This variant has not been identified in the general population by the Genome Aggregation Database (gnomAD). Loss of BRCA2 function is a known mechanism of disease. The available evidence is insufficient to determine the role of this variant in disease conclusively. Therefore, this variant is classified as a Variant of Uncertain Significance.

NM_000059.4(BRCA2):c.793_793+76dup

Gene: BRCA2 (BRCA2 DNA repair associated; plus strand). Cytogenetic location: 13q13.1.
Variant type: Duplication.
Coding change: c.793_793+76dup on transcript NM_000059.4 (MANE Select); coding-DNA position 793 through 76 bases into the intron after coding-DNA position 793, 77 bases duplicated.
Molecular consequence: splice donor variant.
Genome position (GRCh38, 1-based): chr13:32,331,030-32,331,106, 77 bases duplicated. GRCh37 (hg19): chr13:32,905,167-32,905,243.
Other names: c.793_793+76dup (NM_001432077.1, NM_001406720.1, NM_001406719.1 and 1 more transcripts); c.424_424+76dup (NM_001406722.1).
Identifiers: ClinVar variation 4757381 (VCV004757381.1).